The following is an entry in ClinVar:

ClinVar aggregate classification (germline): Uncertain significance (1 of 4 stars; one submission).

Allele frequency attached by ClinVar (database versions not stated): gnomAD exomes below 0.00001.

Submission:

Labcorp Genetics (formerly Invitae), Labcorp
Classification: Uncertain significance. Last evaluated: 2020-08-31. Review status: criteria provided, single submitter. Criteria: Invitae Variant Classification Sherloc (09022015). Collection method: clinical testing. Allele origin: germline.
Comment: This sequence change replaces glutamic acid with lysine at codon 261 of the RTN4IP1 protein (p.Glu261Lys). The glutamic acid residue is moderately conserved and there is a small physicochemical difference between glutamic acid and lysine. This variant is not present in population databases (ExAC no frequency). This variant has not been reported in the literature in individuals with RTN4IP1-related conditions. Algorithms developed to predict the effect of missense changes on protein structure and function (SIFT, PolyPhen-2, Align-GVGD) all suggest that this variant is likely to be tolerated, but these predictions have not been confirmed by published functional studies and their clinical significance is uncertain. In summary, the available evidence is currently insufficient to determine the role of this variant in disease. Therefore, it has been classified as a Variant of Uncertain Significance.

NM_032730.5(RTN4IP1):c.781G>A (p.Glu261Lys)

Gene: RTN4IP1 (reticulon 4 interacting protein 1; minus strand). Cytogenetic location: 6q21.
Variant type: single nucleotide variant.
Coding change: c.781G>A on transcript NM_032730.5 (MANE Select); coding-DNA position 781, G replaced by A.
Protein change: p.Glu261Lys; replaces glutamic acid 261 with lysine.
Molecular consequence: missense variant.
Genome position (GRCh38, 1-based): chr6:106,592,189, C>T on the plus strand (G>A on the coding strand, the complement: RTN4IP1 is on the minus strand). VCF-style: chr6-106592189-C-T. GRCh37 (hg19) VCF-style: chr6-107040064-C-T.
Other names: c.481G>A, p.Glu161Lys (NM_001318746.1); short protein forms E161K, E261K.
Identifiers: ClinVar variation 1041082 (VCV001041082.8), dbSNP rs1365569603, ClinGen allele CA365156337.
Genomic context (GRCh38, chr6:106,592,189, plus strand): 5'-CCCACTCCCAGTGTGAACATTGTTCTAATACATACGGTTTTAAGGATTTCAACTGCTCTT[C>T]CACACTTCCAGATTTGTAATCAATTACATCGTCTGCACCAAGCTTCCTTACAAGTTCACT-3'
Protein context (NP_116119.2, residues 251-271): DVIDYKSGSV[Glu261Lys]EQLKSLKPFD